The following is an entry in ClinVar:

NM_014915.3(ANKRD26):c.260C>T (p.Ala87Val)

Gene: ANKRD26 (ankyrin repeat domain 26; minus strand). Cytogenetic location: 10p12.1.
Variant type: single nucleotide variant.
Coding change: c.260C>T on transcript NM_014915.3 (MANE Select); coding-DNA position 260, C replaced by T.
Protein change: p.Ala87Val; replaces alanine 87 with valine.
Molecular consequence: missense variant.
Genome position (GRCh38, 1-based): chr10:27,093,782, G>A on the plus strand (C>T on the coding strand, the complement: ANKRD26 is on the minus strand). VCF-style: chr10-27093782-G-A. GRCh37 (hg19) VCF-style: chr10-27382711-G-A.
Other names: c.260C>T, p.Ala87Val (NM_001256053.2); short protein forms A87V.
Identifiers: ClinVar variation 3648134 (VCV003648134.3).
Genomic context (GRCh38, chr10:27,093,782, plus strand): 5'-TTGAGCTGGCATTTTCTGTCCACCAGGAGAGTTACTACTTCTGGATGACCATTGGCACAG[G>A]CCAAATGTAGAGCCGTCCTATGAGAGTGACAGGACTTTTTATAAACTGTAGTGCACTGTC-3'
Protein context (NP_055730.2, residues 77-97): DKMNRTALHL[Ala87Val]CANGHPEVVT

ClinVar aggregate classification (germline): Uncertain significance. Review status: criteria provided, multiple submitters, no conflicts (2 of 4 stars). 2 submissions from 2 submitters: Uncertain significance (2). Last evaluated 2025-07-28.

Conditions:
Inborn genetic diseases. Identifiers: MedGen C0950123, MeSH D030342.

gnomAD v4.1: 2 of 1,614,090 alleles (0.00012%); highest among the groups gnomAD compares: Non-Finnish European, 0.00017%; no homozygotes.

Submissions (2):

Ambry Genetics
Classification: Uncertain significance for Inborn genetic diseases. Last evaluated: 2025-07-28. Review status: criteria provided, single submitter. Criteria: Ambry Variant Classification Scheme 2023. Collection method: clinical testing. Allele origin: germline.
Comment: The p.A87V variant (also known as c.260C>T), located in coding exon 2 of the ANKRD26 gene, results from a C to T substitution at nucleotide position 260. The alanine at codon 87 is replaced by valine, an amino acid with similar properties. This amino acid position is conserved. In addition, the in silico prediction for this alteration is inconclusive. Based on the available evidence, the clinical significance of this variant remains unclear.

Labcorp Genetics (formerly Invitae), Labcorp
Classification: Uncertain significance. Last evaluated: 2024-12-19. Review status: criteria provided, single submitter. Criteria: Invitae Variant Classification Sherloc (09022015). Collection method: clinical testing. Allele origin: germline.
Comment: This sequence change replaces alanine, which is neutral and non-polar, with valine, which is neutral and non-polar, at codon 87 of the ANKRD26 protein (p.Ala87Val). This variant is not present in population databases (gnomAD no frequency). This variant has not been reported in the literature in individuals affected with ANKRD26-related conditions. An algorithm developed to predict the effect of missense changes on protein structure and function (PolyPhen-2) suggests that this variant is likely to be disruptive. In summary, the available evidence is currently insufficient to determine the role of this variant in disease. Therefore, it has been classified as a Variant of Uncertain Significance.